The following is an entry in ClinVar:

NM_182972.3(IRF2BP2):c.332C>A (p.Pro111Gln)

Genes: IRF2BP2 (interferon regulatory factor 2 binding protein 2; minus strand), LOC129932812 (ATAC-STARR-seq lymphoblastoid silent region 1977; plus strand). Cytogenetic location: 1q42.3.
Variant type: single nucleotide variant.
Coding change: c.332C>A on transcript NM_182972.3 (MANE Select); coding-DNA position 332, C replaced by A.
Protein change: p.Pro111Gln; replaces proline 111 with glutamine.
Molecular consequence: missense variant.
Genome position (GRCh38, 1-based): chr1:234,609,163, G>T on the plus strand (C>A on the coding strand, the complement: IRF2BP2 is on the minus strand). VCF-style: chr1-234609163-G-T. GRCh37 (hg19) VCF-style: chr1-234744909-G-T.
Other names: c.332C>A, p.Pro111Gln (NM_001077397.1); short protein forms P111Q.
Identifiers: ClinVar variation 3698510 (VCV003698510.3).
Genomic context (GRCh38, chr1:234,609,163, plus strand): 5'-GAGCCGAGGCGCGGGGGCCTCTCGGCCGCGGCCGCCAACGGGTAGCGCTCCAAGGCCTGC[G>T]GCGCGCGCGGGGCCGCCTCGGGGCCGCCGTGGCCAAGCTGCTGCTGCTGCTGCAAAAGGA-3'
Protein context (NP_892017.2, residues 101-121): HGGPEAAPRA[Pro111Gln]QALERYPLAA

ClinVar aggregate classification (germline): Uncertain significance. Review status: criteria provided, multiple submitters, no conflicts (2 of 4 stars). 2 submissions from 2 submitters: Uncertain significance (2). Last evaluated 2025-08-18.

Submissions (2):

Labcorp Genetics (formerly Invitae), Labcorp
Classification: Uncertain significance. Last evaluated: 2025-08-18. Review status: criteria provided, single submitter. Criteria: Invitae Variant Classification Sherloc (09022015). Collection method: clinical testing. Allele origin: germline.
Comment: This sequence change replaces proline, which is neutral and non-polar, with glutamine, which is neutral and polar, at codon 111 of the IRF2BP2 protein (p.Pro111Gln). This variant is not present in population databases (gnomAD no frequency). This variant has not been reported in the literature in individuals affected with IRF2BP2-related conditions. ClinVar contains an entry for this variant (Variation ID: 3698510). An algorithm developed to predict the effect of missense changes on protein structure and function (PolyPhen-2) suggests that this variant is likely to be tolerated. In summary, the available evidence is currently insufficient to determine the role of this variant in disease. Therefore, it has been classified as a Variant of Uncertain Significance.

Blueprint Genetics
Classification: Uncertain significance. Last evaluated: 2020-10-08. Review status: criteria provided, single submitter. Criteria: ACMG Guidelines, 2015. Collection method: clinical testing. Allele origin: germline.